The following is an entry in ClinVar:

NM_020822.3(KCNT1):c.1094G>T (p.Arg365Leu)

Gene: KCNT1 (potassium sodium-activated channel subfamily T member 1; plus strand). Cytogenetic location: 9q34.3.
Variant type: single nucleotide variant.
Coding change: c.1094G>T on transcript NM_020822.3 (MANE Select); coding-DNA position 1094, G replaced by T.
Protein change: p.Arg365Leu; replaces arginine 365 with leucine.
Molecular consequence: missense variant.
Genome position (GRCh38, 1-based): chr9:135,765,089, G>T. VCF-style: chr9-135765089-G-T. GRCh37 (hg19) VCF-style: chr9-138656935-G-T.
Other names: c.959G>T, p.Arg320Leu (NM_001272003.2); short protein forms R365L, R320L.
Identifiers: ClinVar variation 2009239 (VCV002009239.4), dbSNP rs1044487630, ClinGen allele CA375500034.

ClinVar aggregate classification (germline): Uncertain significance (1 of 4 stars; one submission).

Conditions:
Autosomal dominant nocturnal frontal lobe epilepsy 5. Also called: CILIARY DYSKINESIA, PRIMARY, 28, WITH SITUS INVERSUS; CILIARY DYSKINESIA, PRIMARY, 28, WITHOUT SITUS INVERSUS; KCNT1-Related Epilepsy; Epilepsy, nocturnal frontal lobe, 5. Identifiers: Orphanet 98784, MedGen C3554306, MONDO:0014002, OMIM 615005.
Developmental and epileptic encephalopathy, 14 (DEE14). Also called: Early infantile epileptic encephalopathy 14. Identifiers: Orphanet 293181, MedGen C3554195, MONDO:0013989, OMIM 614959.

Submission:

Labcorp Genetics (formerly Invitae), Labcorp
Classification: Uncertain significance for Autosomal dominant nocturnal frontal lobe epilepsy 5; Developmental and epileptic encephalopathy, 14. Last evaluated: 2022-08-30. Review status: criteria provided, single submitter. Criteria: Invitae Variant Classification Sherloc (09022015). Collection method: clinical testing. Allele origin: germline.
Comment: Advanced modeling of protein sequence and biophysical properties (such as structural, functional, and spatial information, amino acid conservation, physicochemical variation, residue mobility, and thermodynamic stability) performed at Invitae indicates that this missense variant is expected to disrupt KCNT1 protein function. In summary, the available evidence is currently insufficient to determine the role of this variant in disease. Therefore, it has been classified as a Variant of Uncertain Significance. This variant has not been reported in the literature in individuals affected with KCNT1-related conditions. This variant is not present in population databases (gnomAD no frequency). This sequence change replaces arginine, which is basic and polar, with leucine, which is neutral and non-polar, at codon 365 of the KCNT1 protein (p.Arg365Leu).